The following is an entry in ClinVar:

ClinVar aggregate classification (germline): Uncertain significance. Review status: criteria provided, multiple submitters, no conflicts (2 of 4 stars). 4 submissions from 4 submitters: Uncertain significance (4). Last evaluated 2024-12-07.

Conditions:
RYR1-related disorder. Also called: RYR1-related condition; RYR1-related disorders. Identifiers: MedGen CN239331.
Malignant hyperthermia, susceptibility to, 1 (MHS1). Also called: RYR1-Related Malignant Hyperthermia Susceptibility; Anesthesia related hyperthermia; Malignant hyperpyrexia; Fulminating hyperpyrexia; Pharmacogenic myopathy; Malignant hyperthermia suceptibility 1. Identifiers: Orphanet 423, MedGen C2930980, MONDO:0007783, OMIM 145600.

Allele frequency attached by ClinVar (database versions not stated): gnomAD 0.00001; TOPMed 0.00001; ExAC 0.00003; ESP Exome Variant Server 0.00008.
gnomAD v4.1: 8 of 1,613,756 alleles (0.0005%); highest among the groups gnomAD compares: Non-Finnish European, 0.00068%; no homozygotes.

Submissions (4):

GeneDx
Classification: Uncertain significance. Last evaluated: 2024-12-07. Review status: criteria provided, single submitter. Criteria: GeneDx Variant Classification Process June 2021. Collection method: clinical testing. Allele origin: germline. Affected: yes.
Comment: Not observed at significant frequency in large population cohorts (gnomAD); In silico analysis supports that this missense variant has a deleterious effect on protein structure/function; Has not been previously published as pathogenic or benign to our knowledge

All of Us Research Program, National Institutes of Health
Classification: Uncertain significance for Malignant hyperthermia, susceptibility to, 1. Last evaluated: 2024-08-06. Review status: criteria provided, single submitter. Criteria: ACMG Guidelines, 2015. Collection method: clinical testing. Allele origin: germline. Inheritance: Autosomal dominant inheritance. Observed: 3 variant alleles, 3 heterozygotes.
Comment: This missense variant replaces glutamic acid with lysine at codon 3376 of the RYR1 protein. Computational prediction suggests that this variant may have deleterious impact on protein structure and function (internally defined REVEL score threshold >= 0.7, PMID: 27666373). To our knowledge, functional studies have not been reported for this variant. This variant has not been reported in individuals affected with RYR1-related disorders in the literature. This variant has been identified in 3/249838 chromosomes in the general population by the Genome Aggregation Database (gnomAD). The available evidence is insufficient to determine the role of this variant in disease conclusively. Therefore, this variant is classified as a Variant of Uncertain Significance.

This study involves interpretation of variants in research participants for the purpose of population health screening. Participant phenotype was not available at the time of variant classification. Additional details can be found in publication PMID: 35346344, PMCID: PMC8962531

Labcorp Genetics (formerly Invitae), Labcorp
Classification: Uncertain significance for RYR1-related disorder. Last evaluated: 2024-03-26. Review status: criteria provided, single submitter. Criteria: Invitae Variant Classification Sherloc (09022015). Collection method: clinical testing. Allele origin: germline.
Comment: This sequence change replaces glutamic acid, which is acidic and polar, with lysine, which is basic and polar, at codon 3376 of the RYR1 protein (p.Glu3376Lys). This variant is present in population databases (rs370078496, gnomAD 0.003%). This variant has not been reported in the literature in individuals affected with RYR1-related conditions. Advanced modeling of protein sequence and biophysical properties (such as structural, functional, and spatial information, amino acid conservation, physicochemical variation, residue mobility, and thermodynamic stability) performed at Invitae indicates that this missense variant is expected to disrupt RYR1 protein function with a positive predictive value of 95%. In summary, the available evidence is currently insufficient to determine the role of this variant in disease. Therefore, it has been classified as a Variant of Uncertain Significance.

Color Diagnostics, LLC DBA Color Health
Classification: Uncertain significance for Malignant hyperthermia, susceptibility to, 1. Last evaluated: 2024-03-06. Review status: criteria provided, single submitter. Criteria: ACMG Guidelines, 2015. Collection method: clinical testing. Allele origin: germline.
Comment: This missense variant replaces glutamic acid with lysine at codon 3376 of the RYR1 protein. Computational prediction suggests that this variant may have deleterious impact on protein structure and function. To our knowledge, functional studies have not been reported for this variant. This variant has not been reported in individuals affected with RYR1-related disorders in the literature. This variant has been identified in 3/249838 chromosomes in the general population by the Genome Aggregation Database (gnomAD). The available evidence is insufficient to determine the role of this variant in disease conclusively. Therefore, this variant is classified as a Variant of Uncertain Significance.

NM_000540.3(RYR1):c.10126G>A (p.Glu3376Lys)

Gene: RYR1 (ryanodine receptor 1; plus strand). Cytogenetic location: 19q13.2.
Variant type: single nucleotide variant.
Coding change: c.10126G>A on transcript NM_000540.3 (MANE Select); coding-DNA position 10126, G replaced by A.
Protein change: p.Glu3376Lys; replaces glutamic acid 3376 with lysine.
Molecular consequence: missense variant.
Genome position (GRCh38, 1-based): chr19:38,519,321, G>A. VCF-style: chr19-38519321-G-A. GRCh37 (hg19) VCF-style: chr19-39009961-G-A.
Other names: c.10126G>A, p.Glu3376Lys (NM_001042723.2); short protein forms E3376K.
Identifiers: ClinVar variation 3069260 (VCV003069260.5), dbSNP rs370078496, ClinGen allele CA052402.